The following is an entry in ClinVar:

NM_000260.4(MYO7A):c.5742G>A (p.Glu1914=)

Gene: MYO7A (myosin VIIA; plus strand). Cytogenetic location: 11q13.5.
Variant type: single nucleotide variant.
Coding change: c.5742G>A on transcript NM_000260.4 (MANE Select); coding-DNA position 5742, G replaced by A.
Protein change: p.Glu1914=; no amino-acid change (glutamic acid 1914 retained).
Molecular consequence: synonymous variant.
Genome position (GRCh38, 1-based): chr11:77,206,202, G>A. VCF-style: chr11-77206202-G-A. GRCh37 (hg19) VCF-style: chr11-76917247-G-A.
Other names: c.5628G>A, p.Glu1876= (NM_001127180.2); c.5595G>A, p.Glu1865= (NM_001369365.1).
Identifiers: ClinVar variation 4749576 (VCV004749576.2).

ClinVar aggregate classification (germline): Uncertain significance. Review status: criteria provided, multiple submitters, no conflicts (2 of 4 stars). 2 submissions from 2 submitters: Uncertain significance (2). Last evaluated 2025-09-14.

gnomAD v4.1: 28 of 1,608,348 alleles (0.0017%); highest among the groups gnomAD compares: Non-Finnish European, 0.002%; no homozygotes.

Submissions (2):

Labcorp Genetics (formerly Invitae), Labcorp
Classification: Uncertain significance. Last evaluated: 2025-09-14. Review status: criteria provided, single submitter. Criteria: Invitae Variant Classification Sherloc (09022015). Collection method: clinical testing. Allele origin: germline.
Comment: This sequence change affects codon 1914 of the MYO7A mRNA. It is a 'silent' change, meaning that it does not change the encoded amino acid sequence of the MYO7A protein. This variant also falls at the last nucleotide of exon 41, which is part of the consensus splice site for this exon. This variant is present in population databases (rs755681469, gnomAD 0.003%). This variant has not been reported in the literature in individuals affected with MYO7A-related conditions. Variants that disrupt the consensus splice site are a relatively common cause of aberrant splicing (PMID: 17576681, 9536098). Algorithms developed to predict the effect of sequence changes on RNA splicing suggest that this variant may disrupt the consensus splice site. In summary, the available evidence is currently insufficient to determine the role of this variant in disease. Therefore, it has been classified as a Variant of Uncertain Significance.

Blueprint Genetics
Classification: Uncertain significance. Last evaluated: 2022-08-02. Review status: criteria provided, single submitter. Criteria: ACMG Guidelines, 2015. Collection method: clinical testing. Allele origin: germline.

Literature cited by the submitters: PubMed 17576681 (cited by Labcorp Genetics (formerly Invitae), Labcorp); PubMed 9536098 (cited by Labcorp Genetics (formerly Invitae), Labcorp).